The following is an entry in ClinVar:

NM_000238.4(KCNH2):c.555G>A (p.Ala185=)

Gene: KCNH2 (potassium voltage-gated channel subfamily H member 2; minus strand). Cytogenetic location: 7q36.1.
Variant type: single nucleotide variant.
Coding change: c.555G>A on transcript NM_000238.4 (MANE Select); coding-DNA position 555, G replaced by A.
Protein change: p.Ala185=; no amino-acid change (alanine 185 retained).
Molecular consequence: synonymous variant. On other transcripts: non-coding transcript variant (1).
Genome position (GRCh38, 1-based): chr7:150,958,420, C>T on the plus strand (G>A on the coding strand, the complement: KCNH2 is on the minus strand). VCF-style: chr7-150958420-C-T. GRCh37 (hg19) VCF-style: chr7-150655508-C-T.
Other names: p.Ala185=; c.267G>A, p.Ala89= (NM_001406753.1, NM_001406756.1); c.378G>A, p.Ala126= (NM_001406755.1); c.255G>A, p.Ala85= (NM_001406757.1); c.555G>A, p.Ala185= (NM_172056.3).
Identifiers: ClinVar variation 516110 (VCV000516110.19), dbSNP rs894519401, ClinGen allele CA169081470.

ClinVar aggregate classification (germline): Likely benign. Review status: criteria provided, multiple submitters, no conflicts (2 of 4 stars). 6 submissions from 6 submitters: Likely benign (6). Last evaluated 2026-01-14.

Conditions:
Cardiovascular phenotype. Identifiers: MedGen CN230736.
Long QT syndrome (LQTS). Identifiers: MedGen C0023976, MeSH D008133, MONDO:0002442. Disease mechanism: loss of function. Inheritance: Various modes of inheritance.

Allele frequency attached by ClinVar (database versions not stated): TOPMed 0.00006; gnomAD 0.00007; gnomAD exomes 0.00007 and 0.00011.
gnomAD v4.1: 154 of 1,443,318 alleles (0.011%); highest among the groups gnomAD compares: Non-Finnish European, 0.013%; no homozygotes.

Submissions (6):

Labcorp Genetics (formerly Invitae), Labcorp
Classification: Likely benign for Long QT syndrome. Last evaluated: 2026-01-14. Review status: criteria provided, single submitter. Criteria: Invitae Variant Classification Sherloc (09022015). Collection method: clinical testing. Allele origin: germline.

Molecular Diagnostic Laboratory for Inherited Cardiovascular Disease, Montreal Heart Institute
Classification: Likely benign. Last evaluated: 2025-04-09. Review status: criteria provided, single submitter. Criteria: ACMG Guidelines, 2015. Collection method: clinical testing. Allele origin: germline. Affected: no.

Mayo Clinic Laboratories, Mayo Clinic
Classification: Likely benign. Last evaluated: 2025-04-01. Review status: criteria provided, single submitter. Criteria: ACMG Guidelines, 2015. Collection method: clinical testing. Allele origin: germline. Observed: 1 variant allele.
Comment: BP4, BP7

Blueprint Genetics
Classification: Likely benign. Last evaluated: 2024-10-08. Review status: criteria provided, single submitter. Criteria: ACMG Guidelines, 2015. Collection method: clinical testing. Allele origin: germline.

Ambry Genetics
Classification: Likely benign for Cardiovascular phenotype. Last evaluated: 2022-11-02. Review status: criteria provided, single submitter. Criteria: Ambry Variant Classification Scheme 2023. Collection method: clinical testing. Allele origin: germline.

GeneDx
Classification: Likely benign. Last evaluated: 2019-03-12. Review status: criteria provided, single submitter. Criteria: GeneDx Variant Classification Process June 2021. Collection method: clinical testing. Allele origin: germline. Affected: yes.